The following is an entry in ClinVar:

NM_001184880.2(PCDH19):c.25CTG[3] (p.Leu12del)

Gene: PCDH19 (protocadherin 19; minus strand). Cytogenetic location: Xq22.1.
Variant type: Microsatellite.
Coding change: c.25CTG[3] on transcript NM_001184880.2 (MANE Select); three copies in a row of the 3-base unit CTG starting at c.25; the reference has four copies in a row; one copy, 3 bases deleted.
Protein change: p.Leu12del; deletes leucine 12.
Molecular consequence: inframe deletion.
Genome position (GRCh38, 1-based): chrX:100,408,562-100,408,564, CAG deleted on the plus strand (CTG on the coding strand, the reverse complement: PCDH19 is on the minus strand); deleting any 3 consecutive bases within chrX:100,408,562-100,408,575 gives the same sequence; the position shown is the placement nearest the transcript's 3' end. VCF-style (leftmost placement, unchanged base first): chrX-100408561-CCAG-C. GRCh37 (hg19) VCF-style: chrX-99663559-CCAG-C.
Other names: c.25CTG[3], p.Leu12del (NM_001105243.2, NM_020766.3); short protein forms L12del.
Identifiers: ClinVar variation 206291 (VCV000206291.2), dbSNP rs770510483, ClinGen allele CA316230.

ClinVar aggregate classification (germline): Benign/Likely benign. Review status: criteria provided, multiple submitters, no conflicts (2 of 4 stars). 2 submissions from 2 submitters: Benign (1); Likely benign (1). Last evaluated 2024-09-05.

Submissions (2):

Blueprint Genetics
Classification: Likely benign. Last evaluated: 2024-09-05. Review status: criteria provided, single submitter. Criteria: ACMG Guidelines, 2015. Collection method: clinical testing. Allele origin: germline.

GeneDx
Classification: Benign. Last evaluated: 2014-02-25. Review status: criteria provided, single submitter. Criteria: GeneDx Variant Classification (06012015). Collection method: clinical testing. Allele origin: germline. Affected: yes.
Comment: The variant is found in EPILEPSY panel(s).